The following is an entry in ClinVar:

ClinVar aggregate classification (germline): Likely benign. Review status: criteria provided, multiple submitters, no conflicts (2 of 4 stars). 2 submissions from 2 submitters: Likely benign (2). Last evaluated 2025-03-01.

Allele frequency attached by ClinVar (database versions not stated): gnomAD exomes 0.00176; TOPMed 0.00189; 1000 Genomes Project 30x 0.00094; 1000 Genomes Project 0.00100; ExAC 0.00194; gnomAD 0.00200; ESP Exome Variant Server 0.00223.
gnomAD v4.1: 2,908 of 1,612,276 alleles (0.18%); highest among the groups gnomAD compares: Admixed American, 0.33%; 5 homozygotes.

Submissions (2):

CeGaT Center for Human Genetics Tuebingen
Classification: Likely benign. Last evaluated: 2025-03-01. Review status: criteria provided, single submitter. Criteria: CeGaT Center For Human Genetics Tuebingen Variant Classification Criteria Version 2. Collection method: clinical testing. Allele origin: germline. Affected: yes. Observed: 5 variant alleles.
Comment: TMEM94: BP4, BS2

Blueprint Genetics
Classification: Likely benign. Last evaluated: 2024-11-20. Review status: criteria provided, single submitter. Criteria: ACMG Guidelines, 2015. Collection method: clinical testing. Allele origin: germline.

NM_014738.6(TMEM94):c.2368A>G (p.Ile790Val)

Gene: TMEM94 (transmembrane protein 94; plus strand). Cytogenetic location: 17q25.1.
Variant type: single nucleotide variant.
Coding change: c.2368A>G on transcript NM_014738.6 (MANE Select); coding-DNA position 2368, A replaced by G.
Protein change: p.Ile790Val; replaces isoleucine 790 with valine.
Molecular consequence: missense variant.
Genome position (GRCh38, 1-based): chr17:75,493,877, A>G. VCF-style: chr17-75493877-A-G. GRCh37 (hg19) VCF-style: chr17-73489958-A-G.
Other names: c.2398A>G, p.Ile800Val (NM_001321148.2, NM_001351203.2); c.2380A>G, p.Ile794Val (NM_001321149.2); c.2320A>G, p.Ile774Val (NM_001351202.2); short protein forms I774V, I790V, I794V, I800V.
Identifiers: ClinVar variation 2571002 (VCV002571002.28), dbSNP rs141621199, ClinGen allele CA8762133.
Genomic context (GRCh38, chr17:75,493,877, plus strand): 5'-GTACAGGTGCCCGGCCAAAGCAGCATCTTCACCATGTGCGAGCTGCCCAGCACCATCCCC[A>G]TCAAGCAGAACGCCCGCCGCAGCAGCTGGAGCTCTGACGGTACCTCATGGGTCTGTCCAG-3'
Protein context (NP_055553.3, residues 780-800): TMCELPSTIP[Ile790Val]KQNARRSSWS